The following is an entry in ClinVar:

ClinVar aggregate classification (germline): Likely benign (1 of 4 stars; one submission).

gnomAD v4.1: 6 of 1,611,126 alleles (0.00037%); highest among the groups gnomAD compares: Middle Eastern, 0.02%; no homozygotes.

Submission:

GeneDx
Classification: Likely benign. Last evaluated: 2017-11-30. Review status: criteria provided, single submitter. Criteria: GeneDx Variant Classification (06012015). Collection method: clinical testing. Allele origin: germline. Affected: yes.
Comment: This variant is considered likely benign or benign based on one or more of the following criteria: it is a conservative change, it occurs at a poorly conserved position in the protein, it is predicted to be benign by multiple in silico algorithms, and/or has population frequency not consistent with disease.

NM_058216.1(RAD51C):c.-49C>G

Gene: RAD51C (RAD51 paralog C; plus strand). Cytogenetic location: 17q22.
Variant type: single nucleotide variant.
Coding change: c.-49C>G on transcript NM_058216.1; 49 bases upstream of the start codon, C replaced by G.
Molecular consequence: non-coding transcript variant (on NR_103873.1).
Genome position (GRCh38, 1-based): chr17:58,692,595, C>G. VCF-style: chr17-58692595-C-G. GRCh37 (hg19) VCF-style: chr17-56769956-C-G.
Identifiers: ClinVar variation 386066 (VCV000386066.3), dbSNP rs765425309, ClinGen allele CA8677088.